The following is an entry in ClinVar:

NM_016507.4(CDK12):c.536T>A (p.Leu179His)

Genes: CDK12 (cyclin dependent kinase 12; plus strand), LOC126862553 (CDK7 strongly-dependent group 2 enhancer GRCh37_chr17:37618166-37619365; plus strand). Cytogenetic location: 17q12.
Variant type: single nucleotide variant.
Coding change: c.536T>A on transcript NM_016507.4 (MANE Select); coding-DNA position 536, T replaced by A.
Protein change: p.Leu179His; replaces leucine 179 with histidine.
Molecular consequence: missense variant.
Genome position (GRCh38, 1-based): chr17:39,462,607, T>A. VCF-style: chr17-39462607-T-A. GRCh37 (hg19) VCF-style: chr17-37618860-T-A.
Other names: c.536T>A, p.Leu179His (NM_015083.4); short protein forms L179H.
Identifiers: ClinVar variation 4841688 (VCV004841688.1).
Genomic context (GRCh38, chr17:39,462,607, plus strand): 5'-ATGACTATGGGAAGGCGCAGGTAGCCAAAAGCAGCAGCAAGGAATCCAGGTCATCCAAGC[T>A]CCACAAGGAGAAGACCAGGAAAGAACGGGAGCTGAAGTCTGGGCACAAAGACCGGAGTAA-3'
Protein context (NP_057591.2, residues 169-189): SSSKESRSSK[Leu179His]HKEKTRKERE

ClinVar aggregate classification (germline): Uncertain significance (1 of 4 stars; one submission).

Submission:

Ambry Genetics
Classification: Uncertain significance. Last evaluated: 2025-12-26. Review status: criteria provided, single submitter. Criteria: Ambry Variant Classification Scheme 2023. Collection method: clinical testing. Allele origin: germline.
Comment: The p.L179H variant (also known as c.536T>A), located in coding exon 1 of the CDK12 gene, results from a T to A substitution at nucleotide position 536. The leucine at codon 179 is replaced by histidine, an amino acid with similar properties. This amino acid position is conserved. In addition, this alteration is predicted to be tolerated by in silico analysis. Based on the available evidence, the clinical significance of this variant remains unclear.